The following is an entry in ClinVar:

NM_014017.4(LAMTOR2):c.368C>T (p.Ala123Val)

Gene: LAMTOR2 (late endosomal/lysosomal adaptor, MAPK and MTOR activator 2; plus strand). Cytogenetic location: 1q22.
Variant type: single nucleotide variant.
Coding change: c.368C>T on transcript NM_014017.4 (MANE Select); coding-DNA position 368, C replaced by T.
Protein change: p.Ala123Val; replaces alanine 123 with valine.
Molecular consequence: missense variant.
Genome position (GRCh38, 1-based): chr1:156,058,361, C>T. VCF-style: chr1-156058361-C-T. GRCh37 (hg19) VCF-style: chr1-156028152-C-T.
Other names: c.278C>T, p.Ala93Val (NM_001145264.2); short protein forms A123V, A93V.
Identifiers: ClinVar variation 3622568 (VCV003622568.2).

ClinVar aggregate classification (germline): Uncertain significance (1 of 4 stars; one submission).

gnomAD v4.1: 4 of 1,613,972 alleles (0.00025%); highest among the groups gnomAD compares: Admixed American, 0.0017%; no homozygotes.

Submission:

Labcorp Genetics (formerly Invitae), Labcorp
Classification: Uncertain significance. Last evaluated: 2025-07-01. Review status: criteria provided, single submitter. Criteria: Invitae Variant Classification Sherloc (09022015). Collection method: clinical testing. Allele origin: germline.
Comment: This sequence change replaces alanine, which is neutral and non-polar, with valine, which is neutral and non-polar, at codon 123 of the LAMTOR2 protein (p.Ala123Val). This variant is present in population databases (no rsID available, gnomAD 0.003%). This variant has not been reported in the literature in individuals affected with LAMTOR2-related conditions. ClinVar contains an entry for this variant (Variation ID: 3622568). An algorithm developed to predict the effect of missense changes on protein structure and function (PolyPhen-2) suggests that this variant is likely to be tolerated. In summary, the available evidence is currently insufficient to determine the role of this variant in disease. Therefore, it has been classified as a Variant of Uncertain Significance.